The following is an entry in ClinVar:

ClinVar aggregate classification (germline): Uncertain significance (1 of 4 stars; one submission).

Conditions:
Alstrom syndrome (ALMS). Identifiers: Orphanet 64, MedGen C0268425, MONDO:0008763, OMIM 203800.

Allele frequency attached by ClinVar (database versions not stated): gnomAD exomes below 0.00001.
gnomAD v4.1: 2 of 1,614,062 alleles (0.00012%); no homozygotes.

Submission:

Labcorp Genetics (formerly Invitae), Labcorp
Classification: Uncertain significance for Alstrom syndrome. Last evaluated: 2022-07-01. Review status: criteria provided, single submitter. Criteria: Invitae Variant Classification Sherloc (09022015). Collection method: clinical testing. Allele origin: germline.
Comment: This sequence change replaces aspartic acid, which is acidic and polar, with glutamic acid, which is acidic and polar, at codon 2940 of the ALMS1 protein (p.Asp2940Glu). This variant is not present in population databases (gnomAD no frequency). This variant has not been reported in the literature in individuals affected with ALMS1-related conditions. Experimental studies and prediction algorithms are not available or were not evaluated, and the functional significance of this variant is currently unknown. In summary, the available evidence is currently insufficient to determine the role of this variant in disease. Therefore, it has been classified as a Variant of Uncertain Significance.

NM_001378454.1(ALMS1):c.8817T>A (p.Asp2939Glu)

Gene: ALMS1 (ALMS1 centrosome and basal body associated protein; plus strand). Cytogenetic location: 2p13.1.
Variant type: single nucleotide variant.
Coding change: c.8817T>A on transcript NM_001378454.1 (MANE Select); coding-DNA position 8817, T replaced by A.
Protein change: p.Asp2939Glu; replaces aspartic acid 2939 with glutamic acid.
Molecular consequence: missense variant.
Genome position (GRCh38, 1-based): chr2:73,490,776, T>A. VCF-style: chr2-73490776-T-A. GRCh37 (hg19) VCF-style: chr2-73717903-T-A.
Other names: c.8820T>A, p.Asp2940Glu (NM_015120.4); short protein forms D2939E, D2940E.
Identifiers: ClinVar variation 2147902 (VCV002147902.1), dbSNP rs2466217828, ClinGen allele CA347270705.